The following is an entry in ClinVar:

ClinVar aggregate classification (germline): Conflicting classifications of pathogenicity. Review status: criteria provided, conflicting classifications (1 of 4 stars). 3 submissions from 3 submitters: Uncertain significance (2); Likely benign (1). Last evaluated 2025-05-01.

Conditions:
Inborn genetic diseases. Identifiers: MedGen C0950123, MeSH D030342.

Allele frequency attached by ClinVar (database versions not stated): gnomAD exomes below 0.00001; gnomAD 0.00002; TOPMed 0.00002.
gnomAD v4.1: 5 of 1,613,844 alleles (0.00031%); highest among the groups gnomAD compares: African/African-American, 0.0053%; no homozygotes.

Submissions (3):

Ambry Genetics
Classification: Uncertain significance for Inborn genetic diseases. Last evaluated: 2025-05-01. Review status: criteria provided, single submitter. Criteria: Ambry Variant Classification Scheme 2023. Collection method: clinical testing. Allele origin: germline.

Labcorp Genetics (formerly Invitae), Labcorp
Classification: Likely benign. Last evaluated: 2024-10-07. Review status: criteria provided, single submitter. Criteria: Invitae Variant Classification Sherloc (09022015). Collection method: clinical testing. Allele origin: germline.

GeneDx
Classification: Uncertain significance. Last evaluated: 2024-06-23. Review status: criteria provided, single submitter. Criteria: GeneDx Variant Classification Process June 2021. Collection method: clinical testing. Allele origin: germline. Affected: yes.
Comment: Not observed at significant frequency in large population cohorts (gnomAD); In silico analysis indicates that this missense variant does not alter protein structure/function; Has not been previously published as pathogenic or benign to our knowledge

NM_004171.4(SLC1A2):c.40G>A (p.Val14Met)

Gene: SLC1A2 (solute carrier family 1 member 2; minus strand). Cytogenetic location: 11p13.
Variant type: single nucleotide variant.
Coding change: c.40G>A on transcript NM_004171.4 (MANE Select); coding-DNA position 40, G replaced by A.
Protein change: p.Val14Met; replaces valine 14 with methionine.
Molecular consequence: missense variant.
Genome position (GRCh38, 1-based): chr11:35,317,494, C>T on the plus strand (G>A on the coding strand, the complement: SLC1A2 is on the minus strand). VCF-style: chr11-35317494-C-T. GRCh37 (hg19) VCF-style: chr11-35339041-C-T.
Other names: c.13G>A, p.Val5Met (NM_001195728.3, NM_001252652.2); c.40G>A (NM_004171.3); short protein forms V5M, V14M.
Identifiers: ClinVar variation 2887581 (VCV002887581.5), dbSNP rs932831703, ClinGen allele CA220526203.